The following is an entry in ClinVar:

NM_001165963.4(SCN1A):c.3398G>T (p.Ser1133Ile)

Genes: SCN1A (sodium voltage-gated channel alpha subunit 1; minus strand), LOC102724058 (uncharacterized LOC102724058; plus strand). Cytogenetic location: 2q24.3.
Variant type: single nucleotide variant.
Coding change: c.3398G>T on transcript NM_001165963.4 (MANE Select); coding-DNA position 3398, G replaced by T.
Protein change: p.Ser1133Ile; replaces serine 1133 with isoleucine.
Molecular consequence: missense variant. On other transcripts: non-coding transcript variant (2).
Genome position (GRCh38, 1-based): chr2:166,036,079, C>A on the plus strand (G>T on the coding strand, the complement: SCN1A is on the minus strand). VCF-style: chr2-166036079-C-A. GRCh37 (hg19) VCF-style: chr2-166892589-C-A.
Other names: c.3314G>T, p.Ser1105Ile (NM_001165964.3, NM_001353957.2, NM_001353958.2); c.3398G>T, p.Ser1133Ile (NM_001202435.3, NM_001353948.2); c.3365G>T, p.Ser1122Ile (NM_001353949.2, NM_001353950.2, NM_001353951.2 and 2 more transcripts); c.3362G>T, p.Ser1121Ile (NM_001353954.2, NM_001353955.2); c.3311G>T, p.Ser1104Ile (NM_001353960.2); c.956G>T, p.Ser319Ile (NM_001353961.2); short protein forms S1104I, S1105I, S1121I, S1122I, S1133I, S319I.
Identifiers: ClinVar variation 1217708 (VCV001217708.3), dbSNP rs2105793124, ClinGen allele CA349059107.
Genomic context (GRCh38, chr2:166,036,079, plus strand): 5'-CATACCTTCCCACACCTATAGAATCTTACCTCTTTGCTTTCTTCCAGATCCGATTCACTA[C>A]TAAAGTCTTCCGTGTTTAAATTTTCAAAGTCAGATTCTCCTACAGCAATTGGTACAGTCA-3'
Protein context (NP_001159435.1, residues 1123-1143): DFENLNTEDF[Ser1133Ile]SESDLEESKE

ClinVar aggregate classification (germline): Uncertain significance (1 of 4 stars; one submission).

Submission:

GeneDx
Classification: Uncertain significance. Last evaluated: 2019-06-10. Review status: criteria provided, single submitter. Criteria: GeneDx Variant Classification Process June 2021. Collection method: clinical testing. Allele origin: germline. Affected: yes.
Comment: Not observed in large population cohorts (Lek et al., 2016); The majority of missense variants in this gene are considered pathogenic (Stenson et al., 2014); In silico analysis, which includes protein predictors and evolutionary conservation, supports a deleterious effect; Has not been previously published as pathogenic or benign to our knowledge; Predicted to be located in the cytoplasmic loop between the second and third homologous domains